The following is an entry in ClinVar:

NM_000478.6(ALPL):c.863-3C>T

Gene: ALPL (alkaline phosphatase, biomineralization associated; plus strand). Cytogenetic location: 1p36.12.
Variant type: single nucleotide variant.
Coding change: c.863-3C>T on transcript NM_000478.6 (MANE Select); 3 bases into the intron before coding-DNA position 863, C replaced by T.
Molecular consequence: intron variant.
Genome position (GRCh38, 1-based): chr1:21,573,662, C>T. VCF-style: chr1-21573662-C-T. GRCh37 (hg19) VCF-style: chr1-21900155-C-T.
Other names: c.863-3C>T (NM_001369805.2, NM_001369804.2, NM_001369803.2); c.698-3C>T (NM_001127501.4); c.632-3C>T (NM_001177520.3).
Identifiers: ClinVar variation 3639387 (VCV003639387.1).

ClinVar aggregate classification (germline): Uncertain significance (1 of 4 stars; one submission).

gnomAD v4.1: 2 of 1,613,684 alleles (0.00012%); highest among the groups gnomAD compares: Admixed American, 0.0033%; no homozygotes.

Submission:

Labcorp Genetics (formerly Invitae), Labcorp
Classification: Uncertain significance. Last evaluated: 2024-05-02. Review status: criteria provided, single submitter. Criteria: Invitae Variant Classification Sherloc (09022015). Collection method: clinical testing. Allele origin: germline.
Comment: This sequence change falls in intron 8 of the ALPL gene. It does not directly change the encoded amino acid sequence of the ALPL protein. It affects a nucleotide within the consensus splice site. This variant is present in population databases (rs764258987, gnomAD 0.003%). This variant has not been reported in the literature in individuals affected with ALPL-related conditions. Variants that disrupt the consensus splice site are a relatively common cause of aberrant splicing (PMID: 17576681, 9536098). Algorithms developed to predict the effect of sequence changes on RNA splicing suggest that this variant is not likely to affect RNA splicing. In summary, the available evidence is currently insufficient to determine the role of this variant in disease. Therefore, it has been classified as a Variant of Uncertain Significance.

Literature cited by the submitters: PubMed 17576681; PubMed 9536098.